The following is an entry in ClinVar:

ClinVar aggregate classification (germline): Likely benign (1 of 4 stars; one submission).

Conditions:
Cardiomyopathy (CMYO). Also called: Cardiomyopathies. Identifiers: Orphanet 167848, MedGen C0878544, MONDO:0004994, HP:0001638. Inheritance: Various modes of inheritance.

Submission:

All of Us Research Program, National Institutes of Health
Classification: Likely benign for Cardiomyopathy. Last evaluated: 2023-05-04. Review status: criteria provided, single submitter. Criteria: ACMG Guidelines, 2015. Collection method: clinical testing. Allele origin: germline. Inheritance: Autosomal dominant inheritance. Observed: 1 variant allele, 1 heterozygote.
Comment: This study involves interpretation of variants in research participants for the purpose of population health screening. Participant phenotype was not available at the time of variant classification. Additional details can be found in publication PMID: 35346344, PMCID: PMC8962531

NM_001276345.2(TNNT2):c.811-8dup

Gene: TNNT2 (troponin T2, cardiac type; minus strand). Cytogenetic location: 1q32.1.
Variant type: Duplication.
Coding change: c.811-8dup on transcript NM_001276345.2 (MANE Select); 8 bases into the intron before coding-DNA position 811, one base duplicated (T; older notation c.811-8dupT).
Molecular consequence: intron variant.
Genome position (GRCh38, 1-based): chr1:201,359,671, A duplicated on the plus strand (T on the coding strand, the reverse complement: TNNT2 is on the minus strand); the first of 4 consecutive A bases (chr1:201,359,671-201,359,674); duplicating any one gives the same sequence. VCF-style (leftmost placement, unchanged base first): chr1-201359670-G-GA. GRCh37 (hg19) VCF-style: chr1-201328798-G-GA.
Other names: c.772-8dup (NM_001406727.1, NM_001001431.3, NM_001406726.1); c.781-8dup (NM_001406724.1, NM_001001430.3, NM_001276347.2); c.763-8dup (NM_001001432.3); c.766-8dup (NM_001406728.1); c.778-8dup (NM_001406725.1); c.682-8dup (NM_001276346.2); c.802-8dup (NM_000364.4, NM_001406723.1).
Identifiers: ClinVar variation 3070761 (VCV003070761.1), dbSNP rs2526892500, ClinGen allele CA2649786087.